The following is an entry in ClinVar:

NM_000127.3(EXT1):c.1118dup (p.Asn373fs)

Gene: EXT1 (exostosin glycosyltransferase 1; minus strand). Cytogenetic location: 8q24.11.
Variant type: Duplication.
Coding change: c.1118dup on transcript NM_000127.3 (MANE Select); coding-DNA position 1118, one base duplicated (A; older notation c.1118dupA).
Protein change: p.Asn373fs; shifts the reading frame from asparagine 373.
Molecular consequence: frameshift variant.
Genome position (GRCh38, 1-based): chr8:117,835,490, T duplicated on the plus strand (A on the coding strand, the reverse complement: EXT1 is on the minus strand); the first of 2 consecutive T bases (chr8:117,835,490-117,835,491); duplicating either gives the same sequence. VCF-style (leftmost placement, unchanged base first): chr8-117835489-A-AT. GRCh37 (hg19) VCF-style: chr8-118847728-A-AT.
Other names: c.1118dupA (NM_000127.2); short protein forms N373fs.
Identifiers: ClinVar variation 3030008 (VCV003030008.2), dbSNP rs2488132799, ClinGen allele CA2740095137.

ClinVar aggregate classification (germline): Likely pathogenic (0 of 4 stars; one submission).

Conditions:
EXT1-related disorder. Also called: EXT1-related condition.

Submission:

PreventionGenetics, part of Exact Sciences
Classification: Likely pathogenic for EXT1-related condition. Last evaluated: 2023-12-10. Review status: no assertion criteria provided. Collection method: clinical testing. Allele origin: germline.
Comment: The EXT1 c.1118dupA variant is predicted to result in a frameshift and premature protein termination (p.Asn373Lysfs*11). To our knowledge, this variant has not been reported in the literature or in a large population database, indicating this variant is rare. Frameshift variants in EXT1 are expected to be pathogenic. This variant is interpreted as likely pathogenic.